The following is an entry in ClinVar:

ClinVar aggregate classification (germline): Pathogenic. Review status: reviewed by expert panel (3 of 4 stars). 2 submissions from 2 submitters: Pathogenic (1). 1 of the submissions does not count toward it. Last evaluated 2016-10-18.

Conditions:
Breast-ovarian cancer, familial, susceptibility to, 1 (BROVCA1). Also called: BRCA1 Hereditary Breast and Ovarian Cancer; OVARIAN CANCER, SUSCEPTIBILITY TO. Identifiers: Orphanet 145, MedGen C2676676, MONDO:0011450, OMIM 604370. Disease mechanism: loss of function.

Submissions (2):

Evidence-based Network for the Interpretation of Germline Mutant Alleles (ENIGMA)
Classification: Pathogenic for Breast-ovarian cancer, familial, susceptibility to, 1. Last evaluated: 2016-10-18. Review status: reviewed by expert panel. Criteria: ENIGMA BRCA1/2 Classification Criteria (2015). Collection method: curation. Allele origin: germline.
Comment: Variant allele predicted to encode a truncated non-functional protein.

Consortium of Investigators of Modifiers of BRCA1/2 (CIMBA), c/o University of Cambridge
Classification: Pathogenic for Breast-ovarian cancer, familial, susceptibility to, 1. Last evaluated: 2015-10-02. Review status: criteria provided, single submitter. Criteria: CIMBA Mutation Classification guidelines May 2016. Collection method: clinical testing. Allele origin: germline. Not counted in ClinVar's aggregate classification.

NM_007294.4(BRCA1):c.1803del (p.His601fs)

Gene: BRCA1 (BRCA1 DNA repair associated; minus strand). Cytogenetic location: 17q21.31.
Variant type: Deletion.
Coding change: c.1803del on transcript NM_007294.4 (MANE Select); coding-DNA position 1803, one base deleted (C; older notation c.1803delC).
Protein change: p.His601fs; shifts the reading frame from histidine 601.
Molecular consequence: frameshift variant. On other transcripts: intron variant (137).
Genome position (GRCh38, 1-based): chr17:43,093,728, G deleted on the plus strand (C on the coding strand, the reverse complement: BRCA1 is on the minus strand). VCF-style (leftmost placement, unchanged base first): chr17-43093727-TG-T. GRCh37 (hg19) VCF-style: chr17-41245744-TG-T.
Other names: 1922delC; c.1800del, p.His600fs (NM_001407628.1, NM_001407629.1, NM_001407630.1 and 22 more transcripts); c.1803del, p.His601fs (NM_001407639.1, NM_001407640.1, NM_001407641.1 and 30 more transcripts); c.1794del, p.His598fs (NM_001407646.1, NM_001407647.1); c.1680del, p.His560fs (NM_001407648.1, NM_001407664.1, NM_001407665.1 and 19 more transcripts); c.1677del, p.His559fs (NM_001407649.1, NM_001407670.1, NM_001407671.1 and 11 more transcripts); c.1725del, p.His575fs (NM_001407653.1, NM_001407654.1, NM_001407655.1 and 4 more transcripts); c.1722del, p.His574fs (NM_001407659.1, NM_001407660.1, NM_001407661.1 and 1 more transcripts); and 42 more; short protein forms H554fs, H601fs, H473fs, H490fs, H305fs, H433fs, H534fs, H559fs.
Identifiers: ClinVar variation 266190 (VCV000266190.6), dbSNP rs886039970, ClinGen allele CA10589918.